The following is an entry in ClinVar:

NM_001852.4(COL9A2):c.1447G>A (p.Ala483Thr)

Gene: COL9A2 (collagen type IX alpha 2 chain; minus strand). Cytogenetic location: 1p34.2.
Variant type: single nucleotide variant.
Coding change: c.1447G>A on transcript NM_001852.4 (MANE Select); coding-DNA position 1447, G replaced by A.
Protein change: p.Ala483Thr; replaces alanine 483 with threonine.
Molecular consequence: missense variant.
Genome position (GRCh38, 1-based): chr1:40,303,631, C>T on the plus strand (G>A on the coding strand, the complement: COL9A2 is on the minus strand). VCF-style: chr1-40303631-C-T. GRCh37 (hg19) VCF-style: chr1-40769303-C-T.
Other names: short protein forms A483T.
Identifiers: ClinVar variation 1704871 (VCV001704871.6), dbSNP rs775260476, ClinGen allele CA791434.

ClinVar aggregate classification (germline): Uncertain significance. Review status: criteria provided, multiple submitters, no conflicts (2 of 4 stars). 2 submissions from 2 submitters: Uncertain significance (2). Last evaluated 2024-01-29.

Allele frequency attached by ClinVar (database versions not stated): gnomAD exomes 0.00001; ExAC 0.00007.
gnomAD v4.1: 10 of 1,593,624 alleles (0.00063%); highest among the groups gnomAD compares: South Asian, 0.011%; no homozygotes.

Submissions (2):

Labcorp Genetics (formerly Invitae), Labcorp
Classification: Uncertain significance. Last evaluated: 2024-01-29. Review status: criteria provided, single submitter. Criteria: Invitae Variant Classification Sherloc (09022015). Collection method: clinical testing. Allele origin: germline.
Comment: This sequence change replaces alanine, which is neutral and non-polar, with threonine, which is neutral and polar, at codon 483 of the COL9A2 protein (p.Ala483Thr). This variant is present in population databases (rs775260476, gnomAD 0.02%). This variant has not been reported in the literature in individuals affected with COL9A2-related conditions. ClinVar contains an entry for this variant (Variation ID: 1704871). Advanced modeling of protein sequence and biophysical properties (such as structural, functional, and spatial information, amino acid conservation, physicochemical variation, residue mobility, and thermodynamic stability) performed at Invitae indicates that this missense variant is not expected to disrupt COL9A2 protein function with a negative predictive value of 95%. In summary, the available evidence is currently insufficient to determine the role of this variant in disease. Therefore, it has been classified as a Variant of Uncertain Significance.

GeneDx
Classification: Uncertain significance. Last evaluated: 2022-03-07. Review status: criteria provided, single submitter. Criteria: GeneDx Variant Classification Process June 2021. Collection method: clinical testing. Allele origin: germline. Affected: yes.
Comment: Has not been previously published as pathogenic or benign to our knowledge; Not observed at significant frequency in large population cohorts (gnomAD); In silico analysis supports that this missense variant does not alter protein structure/function